The following is an entry in ClinVar:

ClinVar aggregate classification (germline): Uncertain significance. Review status: criteria provided, multiple submitters, no conflicts (2 of 4 stars). 3 submissions from 3 submitters: Uncertain significance (2). 1 of the submissions does not count toward it. Last evaluated 2024-09-04.

Conditions:
Glycogen storage disease IV, classic hepatic. Also called: GSD IV, CLASSIC HEPATIC. Identifiers: MedGen C1856301.
Glycogen storage disease, type IV (GSD4). Also called: Glycogen storage disease due to glycogen branching enzyme deficiency; AMYLOPECTINOSIS; ANDERSEN DISEASE; BRANCHER DEFICIENCY; CIRRHOSIS, FAMILIAL, WITH DEPOSITION OF ABNORMAL GLYCOGEN; GBE1 DEFICIENCY. Identifiers: Orphanet 367, MedGen C0017923, MONDO:0009292, OMIM 232500.
Inborn genetic diseases. Identifiers: MedGen C0950123, MeSH D030342.

Allele frequency attached by ClinVar (database versions not stated): ExAC 0.00001; gnomAD 0.00001; TOPMed 0.00001.
gnomAD v4.1: 10 of 1,602,398 alleles (0.00062%); highest among the groups gnomAD compares: South Asian, 0.0034%; no homozygotes.

Submissions (3):

Ambry Genetics
Classification: Uncertain significance for Inborn genetic diseases. Last evaluated: 2024-09-04. Review status: criteria provided, single submitter. Criteria: Ambry Variant Classification Scheme 2023. Collection method: clinical testing. Allele origin: germline.

Labcorp Genetics (formerly Invitae), Labcorp
Classification: Uncertain significance for Glycogen storage disease, type IV; Glycogen storage disease IV, classic hepatic. Last evaluated: 2022-02-19. Review status: criteria provided, single submitter. Criteria: Invitae Variant Classification Sherloc (09022015). Collection method: clinical testing. Allele origin: germline.
Comment: This sequence change replaces valine, which is neutral and non-polar, with methionine, which is neutral and non-polar, at codon 604 of the GBE1 protein (p.Val604Met). This variant is present in population databases (rs760015364, gnomAD 0.007%). This variant has not been reported in the literature in individuals affected with GBE1-related conditions. ClinVar contains an entry for this variant (Variation ID: 989804). Advanced modeling of protein sequence and biophysical properties (such as structural, functional, and spatial information, amino acid conservation, physicochemical variation, residue mobility, and thermodynamic stability) performed at Invitae indicates that this missense variant is not expected to disrupt GBE1 protein function. In summary, the available evidence is currently insufficient to determine the role of this variant in disease. Therefore, it has been classified as a Variant of Uncertain Significance.

Natera, Inc.
Classification: Uncertain significance for Glycogen storage disease type IV. Last evaluated: 2020-09-04. Review status: no assertion criteria provided. Collection method: clinical testing. Allele origin: germline. Not counted in ClinVar's aggregate classification.

NM_000158.4(GBE1):c.1810G>A (p.Val604Met)

Gene: GBE1 (1,4-alpha-glucan branching enzyme 1; minus strand). Cytogenetic location: 3p12.2.
Variant type: single nucleotide variant.
Coding change: c.1810G>A on transcript NM_000158.4 (MANE Select); coding-DNA position 1810, G replaced by A.
Protein change: p.Val604Met; replaces valine 604 with methionine.
Molecular consequence: missense variant.
Genome position (GRCh38, 1-based): chr3:81,535,319, C>T on the plus strand (G>A on the coding strand, the complement: GBE1 is on the minus strand). VCF-style: chr3-81535319-C-T. GRCh37 (hg19) VCF-style: chr3-81584470-C-T.
Other names: c.1810G>A (NM_000158.3); short protein forms V604M.
Identifiers: ClinVar variation 989804 (VCV000989804.4), dbSNP rs760015364, ClinGen allele CA2499546.